The following is an entry in ClinVar:

ClinVar aggregate classification (germline): Uncertain significance (1 of 4 stars; one submission).

Conditions:
MYO15A-related disorder. Also called: MYO15A-related condition.

gnomAD v4.1: 26 of 1,614,016 alleles (0.0016%); highest among the groups gnomAD compares: Admixed American, 0.005%; no homozygotes.

Submission:

PreventionGenetics, part of Exact Sciences
Classification: Uncertain significance for MYO15A-related condition. Last evaluated: 2025-03-26. Review status: criteria provided, single submitter. Criteria: ACMG Guidelines, 2015. Collection method: clinical testing. Allele origin: germline.
Comment: The MYO15A c.4369C>T variant is predicted to result in the amino acid substitution p.Arg1457Trp. This variant was reported along with a second pathogenic MYO15A variant in an individual with autosomal recessive nonsyndromic hearing loss (Table S3, Sloan-Heggen et al. 2016. PubMed ID: 26969326). This variant is reported in 0.0058% of alleles in individuals of Latino descent in gnomAD. Although we suspect that this variant may be pathogenic, at this time, the clinical significance of this variant is uncertain due to the absence of conclusive functional and genetic evidence.

NM_016239.4(MYO15A):c.4369C>T (p.Arg1457Trp)

Gene: MYO15A (myosin XVA; plus strand). Cytogenetic location: 17p11.2.
Variant type: single nucleotide variant.
Coding change: c.4369C>T on transcript NM_016239.4 (MANE Select); coding-DNA position 4369, C replaced by T.
Protein change: p.Arg1457Trp; replaces arginine 1457 with tryptophan.
Molecular consequence: missense variant.
Genome position (GRCh38, 1-based): chr17:18,133,273, C>T. VCF-style: chr17-18133273-C-T. GRCh37 (hg19) VCF-style: chr17-18036587-C-T.
Other names: short protein forms R1457W.
Identifiers: ClinVar variation 4988554 (VCV004988554.1).